The following is an entry in ClinVar:

ClinVar aggregate classification (germline): Uncertain significance (1 of 4 stars; one submission).

Conditions:
Hereditary cancer-predisposing syndrome. Also called: Hereditary neoplastic syndrome; Tumor predisposition; Hereditary Cancer Syndrome; Neoplastic Syndromes, Hereditary. Identifiers: Orphanet 140162, MedGen C0027672, MeSH D009386, MONDO:0015356.

Submission:

Ambry Genetics
Classification: Uncertain significance for Hereditary cancer-predisposing syndrome. Last evaluated: 2023-07-23. Review status: criteria provided, single submitter. Criteria: Ambry Variant Classification Scheme 2023. Collection method: clinical testing. Allele origin: germline.
Comment: The p.M152I variant (also known as c.456G>A), located in coding exon 1 of the GREM1 gene, results from a G to A substitution at nucleotide position 456. The methionine at codon 152 is replaced by isoleucine, an amino acid with highly similar properties. This amino acid position is conserved. In addition, this alteration is predicted to be tolerated by in silico analysis. Since supporting evidence is limited at this time, the clinical significance of this alteration remains unclear.

NM_013372.7(GREM1):c.456G>A (p.Met152Ile)

Gene: GREM1 (gremlin 1, DAN family BMP antagonist; plus strand). Cytogenetic location: 15q13.3.
Variant type: single nucleotide variant.
Coding change: c.456G>A on transcript NM_013372.7 (MANE Select); coding-DNA position 456, G replaced by A.
Protein change: p.Met152Ile; replaces methionine 152 with isoleucine.
Molecular consequence: missense variant.
Genome position (GRCh38, 1-based): chr15:32,731,146, G>A. VCF-style: chr15-32731146-G-A. GRCh37 (hg19) VCF-style: chr15-33023347-G-A.
Other names: c.246G>A, p.Met82Ile (NM_001191322.2); c.333G>A, p.Met111Ile (NM_001191323.2); c.456G>A, p.Met152Ile (NM_001368719.1); short protein forms M111I, M152I, M82I.
Identifiers: ClinVar variation 2586801 (VCV002586801.2), dbSNP rs2548708009, ClinGen allele CA391557993.